The following is an entry in ClinVar:

NM_152490.5(B3GALNT2):c.245C>G (p.Pro82Arg)

Gene: B3GALNT2 (beta-1,3-N-acetylgalactosaminyltransferase 2; minus strand). Cytogenetic location: 1q42.3.
Variant type: single nucleotide variant.
Coding change: c.245C>G on transcript NM_152490.5 (MANE Select); coding-DNA position 245, C replaced by G.
Protein change: p.Pro82Arg; replaces proline 82 with arginine.
Molecular consequence: missense variant.
Genome position (GRCh38, 1-based): chr1:235,494,696, G>C on the plus strand (C>G on the coding strand, the complement: B3GALNT2 is on the minus strand). VCF-style: chr1-235494696-G-C. GRCh37 (hg19) VCF-style: chr1-235658006-G-C.
Other names: c.368C>G, p.Pro123Arg (NM_001277155.3); short protein forms P123R, P82R.
Identifiers: ClinVar variation 2099019 (VCV002099019.2), dbSNP rs2527372077, ClinGen allele CA344930850.
Genomic context (GRCh38, chr1:235,494,696, plus strand): 5'-TCTTATTTCAATAAACCAGGCAAGGCAACAACTCAGAAAACCTACCGTTGACTTAATGTG[G>C]GATGCTGTAGCAAATGTCTCATCCAGGTGCTTCTTATCACGTTTCGAAGTTCATGGTTAT-3'
Protein context (NP_689703.1, residues 72-92): STWMRHLLQH[Pro82Arg]TLSQRVLVKF

ClinVar aggregate classification (germline): Uncertain significance (1 of 4 stars; one submission).

Conditions:
Muscular dystrophy-dystroglycanopathy (congenital with brain and eye anomalies), type a, 11 (MDDGA11). Also called: WALKER-WARBURG SYNDROME OR MUSCLE-EYE-BRAIN DISEASE, B3GALNT2-RELATED; Muscular dystrophy-dystroglycanopathy (congenital with brain and eye anomalies, type A, 11; Congenital muscular dystrophy-dystroglycanopathy with brain and eye anomalies, type A11. Identifiers: Orphanet 588, Orphanet 899, MedGen C3554638, MONDO:0014071, OMIM 615181.

Submission:

Labcorp Genetics (formerly Invitae), Labcorp
Classification: Uncertain significance for Muscular dystrophy-dystroglycanopathy (congenital with brain and eye anomalies), type a, 11. Last evaluated: 2023-07-07. Review status: criteria provided, single submitter. Criteria: Invitae Variant Classification Sherloc (09022015). Collection method: clinical testing. Allele origin: germline.
Comment: This variant has not been reported in the literature in individuals affected with B3GALNT2-related conditions. In summary, the available evidence is currently insufficient to determine the role of this variant in disease. Therefore, it has been classified as a Variant of Uncertain Significance. Advanced modeling of protein sequence and biophysical properties (such as structural, functional, and spatial information, amino acid conservation, physicochemical variation, residue mobility, and thermodynamic stability) performed at Invitae indicates that this missense variant is not expected to disrupt B3GALNT2 protein function. ClinVar contains an entry for this variant (Variation ID: 2099019). This variant is not present in population databases (gnomAD no frequency). This sequence change replaces proline, which is neutral and non-polar, with arginine, which is basic and polar, at codon 82 of the B3GALNT2 protein (p.Pro82Arg).